The following is an entry in ClinVar:

ClinVar aggregate classification (germline): Uncertain significance. Review status: criteria provided, multiple submitters, no conflicts (2 of 4 stars). 3 submissions from 3 submitters: Uncertain significance (3). Last evaluated 2025-08-15.

Conditions:
Interstitial lung disease 2 (ILD2). Also called: FIBROCYSTIC PULMONARY DYSPLASIA; FIBROSING ALVEOLITIS, CRYPTOGENIC; Familial idiopathic pulmonary fibrosis. Identifiers: Orphanet 2032, Orphanet 79126, MedGen C5561926, MONDO:0800497, OMIM 178500, MONDO:0800029.
Hereditary pulmonary alveolar proteinosis. Also called: Pulmonary surfactant metabolism dysfunction. Identifiers: Orphanet 264675, MedGen C3711368, MONDO:0012580.

Allele frequency attached by ClinVar (database versions not stated): ExAC 0.00001; gnomAD 0.00001; gnomAD exomes 0.00001; TOPMed 0.00002; 1000 Genomes Project 0.00020; 1000 Genomes Project 30x 0.00031.
gnomAD v4.1: 19 of 1,613,428 alleles (0.0012%); highest among the groups gnomAD compares: East Asian, 0.0067%; no homozygotes.

Submissions (3):

Ambry Genetics
Classification: Uncertain significance for Hereditary pulmonary alveolar proteinosis. Last evaluated: 2025-08-15. Review status: criteria provided, single submitter. Criteria: Ambry Variant Classification Scheme 2023. Collection method: clinical testing. Allele origin: germline.

Alder lab, University of Pittsburgh
Classification: Uncertain significance for Interstitial lung disease 2. Last evaluated: 2022-08-01. Review status: criteria provided, single submitter. Criteria: ACMG Guidelines, 2015. Collection method: research. Allele origin: germline. Affected: yes.

Labcorp Genetics (formerly Invitae), Labcorp
Classification: Uncertain significance. Last evaluated: 2022-06-22. Review status: criteria provided, single submitter. Criteria: Invitae Variant Classification Sherloc (09022015). Collection method: clinical testing. Allele origin: germline.
Comment: This sequence change replaces arginine, which is basic and polar, with glutamine, which is neutral and polar, at codon 1484 of the ABCA3 protein (p.Arg1484Gln). This variant is present in population databases (rs200173380, gnomAD 0.01%). This variant has not been reported in the literature in individuals affected with ABCA3-related conditions. Algorithms developed to predict the effect of missense changes on protein structure and function (SIFT, PolyPhen-2, Align-GVGD) all suggest that this variant is likely to be disruptive. In summary, the available evidence is currently insufficient to determine the role of this variant in disease. Therefore, it has been classified as a Variant of Uncertain Significance.

NM_001089.3(ABCA3):c.4451G>A (p.Arg1484Gln)

Gene: ABCA3 (ATP binding cassette subfamily A member 3; minus strand). Cytogenetic location: 16p13.3.
Variant type: single nucleotide variant.
Coding change: c.4451G>A on transcript NM_001089.3 (MANE Select); coding-DNA position 4451, G replaced by A.
Protein change: p.Arg1484Gln; replaces arginine 1484 with glutamine.
Molecular consequence: missense variant.
Genome position (GRCh38, 1-based): chr16:2,279,039, C>T on the plus strand (G>A on the coding strand, the complement: ABCA3 is on the minus strand). VCF-style: chr16-2279039-C-T. GRCh37 (hg19) VCF-style: chr16-2329040-C-T.
Other names: c.4451G>A (NM_001089.2); short protein forms R1484Q.
Identifiers: ClinVar variation 1705911 (VCV001705911.5), dbSNP rs200173380, ClinGen allele CA7840117.